The following is an entry in ClinVar:

NM_000038.6(APC):c.3889G>C (p.Asp1297His)

Gene: APC (APC regulator of Wnt signaling pathway; plus strand). Cytogenetic location: 5q22.2.
Variant type: single nucleotide variant.
Coding change: c.3889G>C on transcript NM_000038.6 (MANE Select); coding-DNA position 3889, G replaced by C.
Protein change: p.Asp1297His; replaces aspartic acid 1297 with histidine.
Molecular consequence: missense variant.
Genome position (GRCh38, 1-based): chr5:112,839,483, G>C. VCF-style: chr5-112839483-G-C. GRCh37 (hg19) VCF-style: chr5-112175180-G-C.
Other names: c.3889G>C, p.Asp1297His (NM_001127510.3, NM_001354895.2, NM_001407450.1); c.3835G>C, p.Asp1279His (NM_001127511.3); c.3943G>C, p.Asp1315His (NM_001354896.2, NM_001407447.1, NM_001407448.1 and 1 more transcripts); c.3919G>C, p.Asp1307His (NM_001354897.2); c.3868G>C, p.Asp1290His (NM_001407451.1); c.3859G>C, p.Asp1287His (NM_001407452.1); c.3712G>C, p.Asp1238His (NM_001407453.1, NM_001354901.2); c.3640G>C, p.Asp1214His (NM_001407454.1, NM_001407455.1, NM_001407456.1 and 1 more transcripts); and 11 more; short protein forms D1137H, D1171H, D1206H, D1214H, D1238H, D1290H, D1297H, D1315H.
Identifiers: ClinVar variation 1735865 (VCV001735865.5), dbSNP rs1765546205, ClinGen allele CA16029867.

ClinVar aggregate classification (germline): Uncertain significance. Review status: criteria provided, multiple submitters, no conflicts (2 of 4 stars). 2 submissions from 2 submitters: Uncertain significance (2). Last evaluated 2025-09-12.

Conditions:
Hereditary cancer-predisposing syndrome. Also called: Neoplastic Syndromes, Hereditary; Tumor predisposition; Hereditary Cancer Syndrome; Hereditary neoplastic syndrome. Identifiers: Orphanet 140162, MedGen C0027672, MeSH D009386, MONDO:0015356.
Familial adenomatous polyposis 1 (FAP1). Also called: FAMILIAL ADENOMATOUS POLYPOSIS 1, ATTENUATED; POLYPOSIS, ADENOMATOUS INTESTINAL. Identifiers: MedGen C2713442, MONDO:0021056, OMIM 175100. Disease mechanism: loss of function.

Allele frequency attached by ClinVar (database versions not stated): TOPMed 0.00001.

Submissions (2):

Labcorp Genetics (formerly Invitae), Labcorp
Classification: Uncertain significance for Familial adenomatous polyposis 1. Last evaluated: 2025-09-12. Review status: criteria provided, single submitter. Criteria: Invitae Variant Classification Sherloc (09022015). Collection method: clinical testing. Allele origin: germline.
Comment: This sequence change replaces aspartic acid, which is acidic and polar, with histidine, which is basic and polar, at codon 1297 of the APC protein (p.Asp1297His). This variant is not present in population databases (gnomAD no frequency). This variant has not been reported in the literature in individuals affected with APC-related conditions. ClinVar contains an entry for this variant (Variation ID: 1735865). Invitae Evidence Modeling of protein sequence and biophysical properties (such as structural, functional, and spatial information, amino acid conservation, physicochemical variation, residue mobility, and thermodynamic stability) indicates that this missense variant is not expected to disrupt APC protein function with a negative predictive value of 95%. In summary, the available evidence is currently insufficient to determine the role of this variant in disease. Therefore, it has been classified as a Variant of Uncertain Significance.

Ambry Genetics
Classification: Uncertain significance for Hereditary cancer-predisposing syndrome. Last evaluated: 2024-10-31. Review status: criteria provided, single submitter. Criteria: Ambry Variant Classification Scheme 2023. Collection method: clinical testing. Allele origin: germline.
Comment: The p.D1297H variant (also known as c.3889G>C), located in coding exon 15 of the APC gene, results from a G to C substitution at nucleotide position 3889. The aspartic acid at codon 1297 is replaced by histidine, an amino acid with similar properties. Missense alterations in APC are not a common cause of disease (Spier I et al. Genet Med. 2024 Feb;26(2):100992). This amino acid position is not well conserved in available vertebrate species. In addition, in silico predictors for this gene do not accurately predict pathogenicity. Based on the available evidence, the clinical significance of this variant remains unclear.